The following is an entry in ClinVar:

NM_032043.3(BRIP1):c.1709T>C (p.Leu570Ser)

Gene: BRIP1 (BRCA1 interacting DNA helicase 1; minus strand). Cytogenetic location: 17q23.2.
Variant type: single nucleotide variant.
Coding change: c.1709T>C on transcript NM_032043.3 (MANE Select); coding-DNA position 1709, T replaced by C.
Protein change: p.Leu570Ser; replaces leucine 570 with serine.
Molecular consequence: missense variant.
Genome position (GRCh38, 1-based): chr17:61,780,925, A>G on the plus strand (T>C on the coding strand, the complement: BRIP1 is on the minus strand). VCF-style: chr17-61780925-A-G. GRCh37 (hg19) VCF-style: chr17-59858286-A-G.
Other names: short protein forms L570S.
Identifiers: ClinVar variation 928354 (VCV000928354.11), dbSNP rs2077609103, ClinGen allele CA400480415.

ClinVar aggregate classification (germline): Uncertain significance. Review status: criteria provided, multiple submitters, no conflicts (2 of 4 stars). 3 submissions from 3 submitters: Uncertain significance (3). Last evaluated 2025-11-12.

Conditions:
Fanconi anemia complementation group J. Also called: BRIP1-Related Fanconi Anemia. Identifiers: Orphanet 84, MedGen C1836860, MONDO:0012187, OMIM 609054.
Familial cancer of breast. Also called: BREAST CANCER, FAMILIAL; hereditary breast carcinoma; Hereditary breast cancer. Identifiers: Orphanet 227535, MedGen C0346153, MONDO:0016419, OMIM 114480. Disease mechanism: loss of function.
Hereditary cancer-predisposing syndrome. Also called: Tumor predisposition; Hereditary neoplastic syndrome; Neoplastic Syndromes, Hereditary; Hereditary Cancer Syndrome. Identifiers: Orphanet 140162, MedGen C0027672, MeSH D009386, MONDO:0015356.

Submissions (3):

Ambry Genetics
Classification: Uncertain significance for Hereditary cancer-predisposing syndrome. Last evaluated: 2025-11-12. Review status: criteria provided, single submitter. Criteria: Ambry Variant Classification Scheme 2023. Collection method: clinical testing. Allele origin: germline.
Comment: The p.L570S variant (also known as c.1709T>C), located in coding exon 11 of the BRIP1 gene, results from a T to C substitution at nucleotide position 1709. The leucine at codon 570 is replaced by serine, an amino acid with dissimilar properties. This amino acid position is poorly conserved in available vertebrate species. In addition, this alteration is predicted to be tolerated by in silico analysis. Based on the available evidence, the clinical significance of this variant remains unclear.

Labcorp Genetics (formerly Invitae), Labcorp
Classification: Uncertain significance for Familial cancer of breast; Fanconi anemia complementation group J. Last evaluated: 2025-04-17. Review status: criteria provided, single submitter. Criteria: Invitae Variant Classification Sherloc (09022015). Collection method: clinical testing. Allele origin: germline.
Comment: This sequence change replaces leucine, which is neutral and non-polar, with serine, which is neutral and polar, at codon 570 of the BRIP1 protein (p.Leu570Ser). This variant is not present in population databases (gnomAD no frequency). This variant has not been reported in the literature in individuals affected with BRIP1-related conditions. ClinVar contains an entry for this variant (Variation ID: 928354). Invitae Evidence Modeling of protein sequence and biophysical properties (such as structural, functional, and spatial information, amino acid conservation, physicochemical variation, residue mobility, and thermodynamic stability) indicates that this missense variant is not expected to disrupt BRIP1 protein function with a negative predictive value of 95%. In summary, the available evidence is currently insufficient to determine the role of this variant in disease. Therefore, it has been classified as a Variant of Uncertain Significance.

Color Diagnostics, LLC DBA Color Health
Classification: Uncertain significance for Hereditary cancer-predisposing syndrome. Last evaluated: 2018-12-21. Review status: criteria provided, single submitter. Criteria: ACMG Guidelines, 2015. Collection method: clinical testing. Allele origin: germline.